The following is an entry in ClinVar:

NM_003383.5(VLDLR):c.-56C>T

Genes: VLDLR (very low density lipoprotein receptor; plus strand), VLDLR-AS1 (VLDLR antisense RNA 1; minus strand). Cytogenetic location: 9p24.2.
Variant type: single nucleotide variant.
Coding change: c.-56C>T on transcript NM_003383.5 (MANE Select); 56 bases upstream of the start codon, C replaced by T.
Molecular consequence: 5 prime UTR variant. On other transcripts: non-coding transcript variant (1).
Genome position (GRCh38, 1-based): chr9:2,622,134, C>T. VCF-style: chr9-2622134-C-T. GRCh37 (hg19) VCF-style: chr9-2622134-C-T.
Other names: c.-56C>T (NM_001018056.3, NM_001322225.2, NM_001322226.2).
Identifiers: ClinVar variation 366354 (VCV000366354.9), dbSNP rs34881325, ClinGen allele CA10633629.

ClinVar aggregate classification (germline): Benign. Review status: criteria provided, multiple submitters, no conflicts (2 of 4 stars). 3 submissions from 3 submitters: Benign (3). Last evaluated 2018-06-26.

Conditions:
Cerebellar ataxia, impaired intellectual development, and dysequilibrium syndrome 1. Also called: Cerebellar hypoplasia and mental retardation with or without quadrupedal locomotion 1; Cerebellar ataxia, mental retardation, and dysequilibrium syndrome 1; Cerebellar ataxia, intellectual disability, and dysequilibrium syndrome 1; VLDLR Cerebellar Hypoplasia; CEREBELLAR ATAXIA AND MENTAL RETARDATION WITH OR WITHOUT QUADRUPEDAL LOCOMOTION 1; CEREBELLAR ATAXIA, CONGENITAL, AND MENTAL RETARDATION, AUTOSOMAL RECESSIVE. Identifiers: Orphanet 1766, MedGen C4551552, MONDO:0024542, OMIM 224050.

Allele frequency attached by ClinVar (database versions not stated): 1000 Genomes Project 30x 0.29044; gnomAD 0.31776 and 0.31505; TOPMed 0.31129; 1000 Genomes Project 0.30990.

Submissions (3):

GeneDx
Classification: Benign. Last evaluated: 2018-06-26. Review status: criteria provided, single submitter. Criteria: GeneDx Variant Classification Process June 2021. Collection method: clinical testing. Allele origin: germline. Affected: yes.

Illumina Laboratory Services, Illumina
Classification: Benign for Cerebellar ataxia, impaired intellectual development, and dysequilibrium syndrome 1. Last evaluated: 2018-01-13. Review status: criteria provided, single submitter. Criteria: ICSL Variant Classification Criteria 13 December 2019. Collection method: clinical testing. Allele origin: germline.
Comment: This variant was observed in the ICSL laboratory as part of a predisposition screen in an ostensibly healthy population. It had not been previously curated by ICSL or reported in the Human Gene Mutation Database (HGMD: prior to June 1st, 2018), and was therefore a candidate for classification through an automated scoring system. Utilizing variant allele frequency, disease prevalence and penetrance estimates, and inheritance mode, an automated score was calculated to assess if this variant is too frequent to cause the disease. Based on the score and internal cut-off values, a variant classified as benign is not then subjected to further curation. The score for this variant resulted in a classification of benign for this disease.

Breakthrough Genomics
Classification: Benign. Review status: criteria provided, single submitter. Criteria: ACMG Guidelines, 2015. Collection method: not provided. Allele origin: germline. Inheritance: Autosomal recessive inheritance. Affected: yes.